The following is an entry in ClinVar:

NM_020207.7(ERCC6L2):c.3519T>G (p.Asp1173Glu)

Gene: ERCC6L2 (ERCC excision repair 6 like 2; plus strand). Cytogenetic location: 9q22.32.
Variant type: single nucleotide variant.
Coding change: c.3519T>G on transcript NM_020207.7 (MANE Select); coding-DNA position 3519, T replaced by G.
Protein change: p.Asp1173Glu; replaces aspartic acid 1173 with glutamic acid.
Molecular consequence: missense variant. On other transcripts: non-coding transcript variant (1).
Genome position (GRCh38, 1-based): chr9:96,004,546, T>G. VCF-style: chr9-96004546-T-G. GRCh37 (hg19) VCF-style: chr9-98766828-T-G.
Other names: c.3519T>G, p.Asp1173Glu (NM_001375291.1, NM_001375292.1); short protein forms D1173E.
Identifiers: ClinVar variation 3695477 (VCV003695477.3).

ClinVar aggregate classification (germline): Uncertain significance. Review status: criteria provided, multiple submitters, no conflicts (2 of 4 stars). 2 submissions from 2 submitters: Uncertain significance (2). Last evaluated 2024-08-04.

gnomAD v4.1: 2 of 1,307,226 alleles (0.00015%); highest among the groups gnomAD compares: East Asian, 0.011%; no homozygotes.

Submissions (2):

Labcorp Genetics (formerly Invitae), Labcorp
Classification: Uncertain significance. Last evaluated: 2024-08-04. Review status: criteria provided, single submitter. Criteria: Invitae Variant Classification Sherloc (09022015). Collection method: clinical testing. Allele origin: germline.
Comment: This sequence change replaces aspartic acid, which is acidic and polar, with glutamic acid, which is acidic and polar, at codon 1184 of the ERCC6L2 protein (p.Asp1184Glu). This variant is not present in population databases (gnomAD no frequency). This variant has not been reported in the literature in individuals affected with ERCC6L2-related conditions. Experimental studies and prediction algorithms are not available or were not evaluated, and the functional significance of this variant is currently unknown. In summary, the available evidence is currently insufficient to determine the role of this variant in disease. Therefore, it has been classified as a Variant of Uncertain Significance.

Blueprint Genetics
Classification: Uncertain significance. Last evaluated: 2023-03-02. Review status: criteria provided, single submitter. Criteria: ACMG Guidelines, 2015. Collection method: clinical testing. Allele origin: germline.